The following is an entry in ClinVar:

ClinVar aggregate classification (germline): Uncertain significance (1 of 4 stars; one submission).

Allele frequency attached by ClinVar (database versions not stated): TOPMed below 0.00001.

Submission:

Labcorp Genetics (formerly Invitae), Labcorp
Classification: Uncertain significance. Last evaluated: 2024-12-16. Review status: criteria provided, single submitter. Criteria: Invitae Variant Classification Sherloc (09022015). Collection method: clinical testing. Allele origin: germline.
Comment: This sequence change replaces proline, which is neutral and non-polar, with histidine, which is basic and polar, at codon 2184 of the ARID1B protein (p.Pro2184His). This variant is not present in population databases (gnomAD no frequency). This variant has not been reported in the literature in individuals affected with ARID1B-related conditions. ClinVar contains an entry for this variant (Variation ID: 2068510). Invitae Evidence Modeling of protein sequence and biophysical properties (such as structural, functional, and spatial information, amino acid conservation, physicochemical variation, residue mobility, and thermodynamic stability) indicates that this missense variant is not expected to disrupt ARID1B protein function with a negative predictive value of 80%. In summary, the available evidence is currently insufficient to determine the role of this variant in disease. Therefore, it has been classified as a Variant of Uncertain Significance.

NM_001374828.1(ARID1B):c.6920C>A (p.Pro2307His)

Gene: ARID1B (AT-rich interaction domain 1B; plus strand). Cytogenetic location: 6q25.3.
Variant type: single nucleotide variant.
Coding change: c.6920C>A on transcript NM_001374828.1 (MANE Select); coding-DNA position 6920, C replaced by A.
Protein change: p.Pro2307His; replaces proline 2307 with histidine.
Molecular consequence: missense variant.
Genome position (GRCh38, 1-based): chr6:157,207,692, C>A. VCF-style: chr6-157207692-C-A. GRCh37 (hg19) VCF-style: chr6-157528826-C-A.
Other names: c.6671C>A, p.Pro2224His (NM_001346813.1); c.4421C>A, p.Pro1474His (NM_001363725.2); c.6800C>A, p.Pro2267His (NM_001371656.1, NM_001374820.1); c.6761C>A, p.Pro2254His (NM_017519.3); c.6551C>A, p.Pro2184His (NM_020732.3); c.6338C>A, p.Pro2113His (NM_175863.2); short protein forms P2113H, P2184H, P1474H, P2224H, P2254H, P2267H, P2307H.
Identifiers: ClinVar variation 2068510 (VCV002068510.4), dbSNP rs1280614049, ClinGen allele CA366249361.